The following is an entry in ClinVar:

NM_001466.4(FZD2):c.691G>A (p.Asp231Asn)

Gene: FZD2 (frizzled class receptor 2; plus strand). Cytogenetic location: 17q21.31.
Variant type: single nucleotide variant.
Coding change: c.691G>A on transcript NM_001466.4 (MANE Select); coding-DNA position 691, G replaced by A.
Protein change: p.Asp231Asn; replaces aspartic acid 231 with asparagine.
Molecular consequence: missense variant.
Genome position (GRCh38, 1-based): chr17:44,558,379, G>A. VCF-style: chr17-44558379-G-A. GRCh37 (hg19) VCF-style: chr17-42635747-G-A.
Other names: short protein forms D231N.
Identifiers: ClinVar variation 3665014 (VCV003665014.2).

ClinVar aggregate classification (germline): Uncertain significance (1 of 4 stars; one submission).

gnomAD v4.1: 2 of 1,539,378 alleles (0.00013%); highest among the groups gnomAD compares: Admixed American, 0.0044%; no homozygotes.

Submission:

Labcorp Genetics (formerly Invitae), Labcorp
Classification: Uncertain significance. Last evaluated: 2025-01-25. Review status: criteria provided, single submitter. Criteria: Invitae Variant Classification Sherloc (09022015). Collection method: clinical testing. Allele origin: germline.
Comment: This sequence change replaces aspartic acid, which is acidic and polar, with asparagine, which is neutral and polar, at codon 231 of the FZD2 protein (p.Asp231Asn). This variant is not present in population databases (gnomAD no frequency). This variant has not been reported in the literature in individuals affected with FZD2-related conditions. An algorithm developed to predict the effect of missense changes on protein structure and function (PolyPhen-2) suggests that this variant is likely to be tolerated. In summary, the available evidence is currently insufficient to determine the role of this variant in disease. Therefore, it has been classified as a Variant of Uncertain Significance.